The following is an entry in ClinVar:

ClinVar aggregate classification (germline): Uncertain significance (1 of 4 stars; one submission).

Conditions:
Neonatal-onset encephalopathy with rigidity and seizures. Also called: Lethal neonatal spasticity-epileptic encephalopathy syndrome. Identifiers: Orphanet 435845, MedGen C3281029, MONDO:0013784, OMIM 614498.

Submission:

Labcorp Genetics (formerly Invitae), Labcorp
Classification: Uncertain significance for Neonatal-onset encephalopathy with rigidity and seizures. Last evaluated: 2022-10-13. Review status: criteria provided, single submitter. Criteria: Invitae Variant Classification Sherloc (09022015). Collection method: clinical testing. Allele origin: germline.
Comment: This sequence change falls in intron 4 of the BRAT1 gene. It does not directly change the encoded amino acid sequence of the BRAT1 protein. It affects a nucleotide within the consensus splice site. This variant is not present in population databases (gnomAD no frequency). This variant has not been reported in the literature in individuals affected with BRAT1-related conditions. ClinVar contains an entry for this variant (Variation ID: 1006669). Variants that disrupt the consensus splice site are a relatively common cause of aberrant splicing (PMID: 17576681, 9536098). Algorithms developed to predict the effect of sequence changes on RNA splicing suggest that this variant is not likely to affect RNA splicing. In summary, the available evidence is currently insufficient to determine the role of this variant in disease. Therefore, it has been classified as a Variant of Uncertain Significance.

Literature cited by the submitters: PubMed 17576681; PubMed 9536098.

NM_152743.4(BRAT1):c.430+6T>C

Gene: BRAT1 (BRCA1 associated ATM activator 1; minus strand). Cytogenetic location: 7p22.3.
Variant type: single nucleotide variant.
Coding change: c.430+6T>C on transcript NM_152743.4 (MANE Select); 6 bases into the intron after coding-DNA position 430, T replaced by C.
Molecular consequence: intron variant.
Genome position (GRCh38, 1-based): chr7:2,544,903, A>G on the plus strand (T>C on the coding strand, the complement: BRAT1 is on the minus strand). VCF-style: chr7-2544903-A-G. GRCh37 (hg19) VCF-style: chr7-2584537-A-G.
Other names: c.-95-941T>C (NM_001350627.2); c.430+6T>C (NM_001350626.2).
Identifiers: ClinVar variation 1006669 (VCV001006669.4), dbSNP rs1779483730, ClinGen allele CA1683202509.
Genomic context (GRCh38, chr7:2,544,903, plus strand): 5'-GTGCAGTGAATTCCCTGGGATCACACAGGCAGGATGAGGAATGGGGTGGGGTGTGGGCGC[A>G]CTCACCATGGTCGGCCAGGAAGCGCAGGGCGCTGGGGTGCTGTGCCAGGGAGCGCAGGCC-3'